The following is an entry in ClinVar:

ClinVar aggregate classification (germline): Conflicting classifications of pathogenicity. Review status: criteria provided, conflicting classifications (1 of 4 stars). 3 submissions from 3 submitters: Uncertain significance (2); Likely benign (1). Last evaluated 2021-11-28.

Conditions:
Inborn genetic diseases. Identifiers: MedGen C0950123, MeSH D030342.

Allele frequency attached by ClinVar (database versions not stated): gnomAD 0.00001; gnomAD exomes 0.00001 and 0.00002; ExAC 0.00002; TOPMed 0.00002.
gnomAD v4.1: 19 of 1,611,746 alleles (0.0012%); highest among the groups gnomAD compares: African/African-American, 0.0027%; no homozygotes.

Submissions (3):

Labcorp Genetics (formerly Invitae), Labcorp
Classification: Uncertain significance. Last evaluated: 2021-11-28. Review status: criteria provided, single submitter. Criteria: Invitae Variant Classification Sherloc (09022015). Collection method: clinical testing. Allele origin: germline.
Comment: This sequence change replaces valine, which is neutral and non-polar, with isoleucine, which is neutral and non-polar, at codon 2527 of the CPLANE1 protein (p.Val2527Ile). This variant is present in population databases (rs749261159, gnomAD 0.007%). This variant has not been reported in the literature in individuals affected with CPLANE1-related conditions. ClinVar contains an entry for this variant (Variation ID: 1311394). Advanced modeling of protein sequence and biophysical properties (such as structural, functional, and spatial information, amino acid conservation, physicochemical variation, residue mobility, and thermodynamic stability) performed at Invitae indicates that this missense variant is not expected to disrupt CPLANE1 protein function. In summary, the available evidence is currently insufficient to determine the role of this variant in disease. Therefore, it has been classified as a Variant of Uncertain Significance.

Ambry Genetics
Classification: Likely benign for Inborn genetic diseases. Last evaluated: 2021-08-12. Review status: criteria provided, single submitter. Criteria: Ambry Variant Classification Scheme 2023. Collection method: clinical testing. Allele origin: germline.

GeneDx
Classification: Uncertain significance. Last evaluated: 2019-12-26. Review status: criteria provided, single submitter. Criteria: GeneDx Variant Classification Process June 2021. Collection method: clinical testing. Allele origin: germline. Affected: yes.
Comment: Not observed at a significant frequency in large population cohorts (Lek et al., 2016); In silico analysis, which includes protein predictors and evolutionary conservation, supports that this variant does not alter protein structure/function; Has not been previously published as pathogenic or benign to our knowledge

NM_001384732.1(CPLANE1):c.7579G>A (p.Val2527Ile)

Gene: CPLANE1 (ciliogenesis and planar polarity effector complex subunit 1; minus strand). Cytogenetic location: 5p13.2.
Variant type: single nucleotide variant.
Coding change: c.7579G>A on transcript NM_001384732.1 (MANE Select); coding-DNA position 7579, G replaced by A.
Protein change: p.Val2527Ile; replaces valine 2527 with isoleucine.
Molecular consequence: missense variant.
Genome position (GRCh38, 1-based): chr5:37,164,282, C>T on the plus strand (G>A on the coding strand, the complement: CPLANE1 is on the minus strand). VCF-style: chr5-37164282-C-T. GRCh37 (hg19) VCF-style: chr5-37164384-C-T.
Other names: c.7579G>A, p.Val2527Ile (NM_023073.4); short protein forms V2527I.
Identifiers: ClinVar variation 1311394 (VCV001311394.5), dbSNP rs749261159, ClinGen allele CA3238020.